The following is an entry in ClinVar:

ClinVar aggregate classification (germline): Likely benign (1 of 4 stars; one submission).

gnomAD v4.1: 64 of 1,613,828 alleles (0.004%); highest among the groups gnomAD compares: Non-Finnish European, 0.0052%; no homozygotes.

Submission:

CeGaT Center for Human Genetics Tuebingen
Classification: Likely benign. Last evaluated: 2022-11-01. Review status: criteria provided, single submitter. Criteria: CeGaT Center For Human Genetics Tuebingen Variant Classification Criteria Version 2. Collection method: clinical testing. Allele origin: germline. Affected: yes. Observed: 1 variant allele.
Comment: ASXL3: BP4

NM_030632.3(ASXL3):c.2200A>T (p.Met734Leu)

Gene: ASXL3 (ASXL transcriptional regulator 3; plus strand). Cytogenetic location: 18q12.1.
Variant type: single nucleotide variant.
Coding change: c.2200A>T on transcript NM_030632.3 (MANE Select); coding-DNA position 2200, A replaced by T.
Protein change: p.Met734Leu; replaces methionine 734 with leucine.
Molecular consequence: missense variant.
Genome position (GRCh38, 1-based): chr18:33,739,604, A>T. VCF-style: chr18-33739604-A-T. GRCh37 (hg19) VCF-style: chr18-31319568-A-T.
Other names: short protein forms M734L.
Identifiers: ClinVar variation 2648642 (VCV002648642.24), dbSNP rs370620373, ClinGen allele CA8933884.
Genomic context (GRCh38, chr18:33,739,604, plus strand): 5'-TCAGAAACCTCACCGATGTCTGACTTACCTTTAACATCAGAAACTTCTTCAGTGTCTTCC[A>T]TGCTTCTCACCTCTGAGACCACTTTTGTATCCAGTTTGCCACTTCCTTCAGAAACATCTC-3'
Protein context (NP_085135.1, residues 724-744): LTSETSSVSS[Met734Leu]LLTSETTFVS